The following is an entry in ClinVar:

NM_001184.4(ATR):c.7760A>T (p.Lys2587Met)

Gene: ATR (ATR checkpoint kinase; minus strand). Cytogenetic location: 3q23.
Variant type: single nucleotide variant.
Coding change: c.7760A>T on transcript NM_001184.4 (MANE Select); coding-DNA position 7760, A replaced by T.
Protein change: p.Lys2587Met; replaces lysine 2587 with methionine.
Molecular consequence: missense variant.
Genome position (GRCh38, 1-based): chr3:142,453,129, T>A on the plus strand (A>T on the coding strand, the complement: ATR is on the minus strand). VCF-style: chr3-142453129-T-A. GRCh37 (hg19) VCF-style: chr3-142171971-T-A.
Other names: c.7568A>T, p.Lys2523Met (NM_001354579.2); short protein forms K2523M, K2587M.
Identifiers: ClinVar variation 2614027 (VCV002614027.2), dbSNP rs1408393470, ClinGen allele CA354794007.

ClinVar aggregate classification (germline): Uncertain significance (1 of 4 stars; one submission).

Conditions:
Inborn genetic diseases. Identifiers: MedGen C0950123, MeSH D030342.

Allele frequency attached by ClinVar (database versions not stated): gnomAD exomes below 0.00001; TOPMed below 0.00001.
gnomAD v4.1: 6 of 1,614,032 alleles (0.00037%); highest among the groups gnomAD compares: Non-Finnish European, 0.00051%; no homozygotes.

Submission:

Ambry Genetics
Classification: Uncertain significance for Inborn genetic diseases. Last evaluated: 2023-07-03. Review status: criteria provided, single submitter. Criteria: Ambry Variant Classification Scheme 2023. Collection method: clinical testing. Allele origin: germline.
Comment: The p.K2587M variant (also known as c.7760A>T), located in coding exon 46 of the ATR gene, results from an A to T substitution at nucleotide position 7760. The lysine at codon 2587 is replaced by methionine, an amino acid with similar properties. This amino acid position is conserved. In addition, the in silico prediction for this alteration is inconclusive. Since supporting evidence is limited at this time, the clinical significance of this alteration remains unclear.